The following is an entry in ClinVar:

NM_025137.4(SPG11):c.3208G>A (p.Ala1070Thr)

Gene: SPG11 (SPG11 vesicle trafficking associated, spatacsin; minus strand). Cytogenetic location: 15q21.1.
Variant type: single nucleotide variant.
Coding change: c.3208G>A on transcript NM_025137.4 (MANE Select); coding-DNA position 3208, G replaced by A.
Protein change: p.Ala1070Thr; replaces alanine 1070 with threonine.
Molecular consequence: missense variant.
Genome position (GRCh38, 1-based): chr15:44,610,923, C>T on the plus strand (G>A on the coding strand, the complement: SPG11 is on the minus strand). VCF-style: chr15-44610923-C-T. GRCh37 (hg19) VCF-style: chr15-44903121-C-T.
Other names: c.3208G>A, p.Ala1070Thr (NM_001160227.2, NM_001411132.1); short protein forms A1070T.
Identifiers: ClinVar variation 1943537 (VCV001943537.2), dbSNP rs756656483, ClinGen allele CA270064629.
Genomic context (GRCh38, chr15:44,610,923, plus strand): 5'-ACATTGTAGTAGCAAGGGCCAGGAGGGTATGTCCTTCCAATAGCATACTGCTTACACTGG[C>T]CTGATTGGTGGGAATCAAAATCTGAGCATTTGCAAGGCTAGCCTGGAAGATCAGTTTGGG-3'
Protein context (NP_079413.3, residues 1060-1080): NAQILIPTNQ[Ala1070Thr]SVSSMLLEGH

ClinVar aggregate classification (germline): Uncertain significance (1 of 4 stars; one submission).

Conditions:
Hereditary spastic paraplegia 11. Also called: Nakamura Osame syndrome; Autosomal recessive hereditary spastic paraplegia, mental impairment, and thin corpus callosum; SPASTIC PARAPLEGIA, AUTOSOMAL RECESSIVE, COMPLICATED, WITH THIN CORPUS CALLOSUM; SPASTIC PARAPLEGIA, AUTOSOMAL RECESSIVE, WITH MENTAL IMPAIRMENT AND THIN CORPUS CALLOSUM; Spastic Paraplegia 11; Spastic paraplegia, mental retardation and thin corpus callosum. Identifiers: Orphanet 2822, MedGen C1858479, MONDO:0011445, OMIM 604360.

Allele frequency attached by ClinVar (database versions not stated): gnomAD exomes 0.00001.
gnomAD v4.1: 7 of 1,613,782 alleles (0.00043%); highest among the groups gnomAD compares: South Asian, 0.0011%; no homozygotes.

Submission:

Labcorp Genetics (formerly Invitae), Labcorp
Classification: Uncertain significance for Hereditary spastic paraplegia 11. Last evaluated: 2022-05-11. Review status: criteria provided, single submitter. Criteria: Invitae Variant Classification Sherloc (09022015). Collection method: clinical testing. Allele origin: germline.
Comment: This sequence change replaces alanine, which is neutral and non-polar, with threonine, which is neutral and polar, at codon 1070 of the SPG11 protein (p.Ala1070Thr). This variant is not present in population databases (gnomAD no frequency). This variant has not been reported in the literature in individuals affected with SPG11-related conditions. Algorithms developed to predict the effect of missense changes on protein structure and function are either unavailable or do not agree on the potential impact of this missense change (SIFT: "Tolerated"; PolyPhen-2: "Possibly Damaging"; Align-GVGD: "Class C0"). In summary, the available evidence is currently insufficient to determine the role of this variant in disease. Therefore, it has been classified as a Variant of Uncertain Significance.